The following is an entry in ClinVar:

ClinVar aggregate classification (germline): Uncertain significance. Review status: criteria provided, multiple submitters, no conflicts (2 of 4 stars). 5 submissions from 5 submitters: Uncertain significance (5). Last evaluated 2024-04-04.

Conditions:
Cardiovascular phenotype. Identifiers: MedGen CN230736.
Cardiomyopathy (CMYO). Also called: Cardiomyopathies. Identifiers: Orphanet 167848, MedGen C0878544, MONDO:0004994, HP:0001638. Inheritance: Various modes of inheritance.
Arrhythmogenic right ventricular cardiomyopathy (ARVD). Also called: Cardiomyopathy, ARVC; Arrhythmogenic right ventricular dysplasia; Arrhythmogenic cardiomyopathy; Arrhythmogenic Right Ventricular Cardiomyopathy (ARVC). Identifiers: Orphanet 247, MedGen C0349788, MeSH D019571, MONDO:0016587. Disease mechanism: loss of function. Inheritance: Various modes of inheritance.
Arrhythmogenic right ventricular dysplasia 10. Also called: Arrhythmogenic Right Ventricular Dysplasia/Cardiomyopathy10; Arrhythmogenic right ventricular dysplasia/cardiomyopathy, type 10; ARRHYTHMOGENIC RIGHT VENTRICULAR DYSPLASIA, FAMILIAL, 10. Identifiers: MedGen C1857777, MONDO:0012434, OMIM 610193.

Allele frequency attached by ClinVar (database versions not stated): gnomAD exomes below 0.00001 and 0.00001; ExAC 0.00001; TOPMed 0.00002; gnomAD 0.00003.
gnomAD v4.1: 10 of 1,614,036 alleles (0.00062%); highest among the groups gnomAD compares: African/African-American, 0.0013%; no homozygotes.

Submissions (5):

Labcorp Genetics (formerly Invitae), Labcorp
Classification: Uncertain significance for Arrhythmogenic right ventricular dysplasia 10. Last evaluated: 2024-04-04. Review status: criteria provided, single submitter. Criteria: Invitae Variant Classification Sherloc (09022015). Collection method: clinical testing. Allele origin: germline.
Comment: This sequence change replaces aspartic acid, which is acidic and polar, with glycine, which is neutral and non-polar, at codon 823 of the DSG2 protein (p.Asp823Gly). This variant is present in population databases (rs777642924, gnomAD 0.003%). This variant has not been reported in the literature in individuals affected with DSG2-related conditions. ClinVar contains an entry for this variant (Variation ID: 228632). Advanced modeling of protein sequence and biophysical properties (such as structural, functional, and spatial information, amino acid conservation, physicochemical variation, residue mobility, and thermodynamic stability) has been performed at Invitae for this missense variant, however the output from this modeling did not meet the statistical confidence thresholds required to predict the impact of this variant on DSG2 protein function. In summary, the available evidence is currently insufficient to determine the role of this variant in disease. Therefore, it has been classified as a Variant of Uncertain Significance.

All of Us Research Program, National Institutes of Health
Classification: Uncertain significance for Arrhythmogenic right ventricular cardiomyopathy. Last evaluated: 2024-01-11. Review status: criteria provided, single submitter. Criteria: ACMG Guidelines, 2015. Collection method: clinical testing. Allele origin: germline. Inheritance: Autosomal dominant inheritance. Observed: 5 variant alleles, 5 heterozygotes.
Comment: This missense variant replaces aspartic acid with glycine at codon 823 of the DSG2 protein. Computational prediction is inconclusive regarding the impact of this variant on protein structure and function (internally defined REVEL score threshold 0.5 < inconclusive < 0.7, PMID: 27666373). To our knowledge, functional studies have not been reported for this variant. This variant has not been reported in individuals affected with cardiovascular disorders in the literature. This variant has been identified in 3/280738 chromosomes in the general population by the Genome Aggregation Database (gnomAD). The available evidence is insufficient to determine the role of this variant in disease conclusively. Therefore, this variant is classified as a Variant of Uncertain Significance.

This study involves interpretation of variants in research participants for the purpose of population health screening. Participant phenotype was not available at the time of variant classification. Additional details can be found in publication PMID: 35346344, PMCID: PMC8962531

Color Diagnostics, LLC DBA Color Health
Classification: Uncertain significance for Cardiomyopathy. Last evaluated: 2023-06-07. Review status: criteria provided, single submitter. Criteria: ACMG Guidelines, 2015. Collection method: clinical testing. Allele origin: germline.
Comment: This missense variant replaces aspartic acid with glycine at codon 823 of the DSG2 protein. Computational prediction is inconclusive regarding the impact of this variant on protein structure and function (internally defined REVEL score threshold 0.5 < inconclusive < 0.7, PMID: 27666373). To our knowledge, functional studies have not been reported for this variant. This variant has been reported in an individual affected with restrictive cardiomyopathy (PMID: 35026164). This variant has been identified in 3/280738 chromosomes in the general population by the Genome Aggregation Database (gnomAD). The available evidence is insufficient to determine the role of this variant in disease conclusively. Therefore, this variant is classified as a Variant of Uncertain Significance.

Ambry Genetics
Classification: Uncertain significance for Cardiovascular phenotype. Last evaluated: 2021-06-09. Review status: criteria provided, single submitter. Criteria: Ambry Variant Classification Scheme 2023. Collection method: clinical testing. Allele origin: germline.
Comment: The p.D823G variant (also known as c.2468A>G), located in coding exon 15 of the DSG2 gene, results from an A to G substitution at nucleotide position 2468. The aspartic acid at codon 823 is replaced by glycine, an amino acid with similar properties. This amino acid position is highly conserved in available vertebrate species. In addition, this alteration is predicted to be deleterious by in silico analysis. Since supporting evidence is limited at this time, the clinical significance of this alteration remains unclear.

Laboratory for Molecular Medicine, Mass General Brigham Personalized Medicine
Classification: Uncertain significance. Last evaluated: 2015-12-10. Review status: criteria provided, single submitter. Criteria: LMM Criteria. Collection method: clinical testing. Allele origin: germline. Observed: 1 variant allele.
Comment: The p.Asp823Gly variant in DSG2 has not been previously reported in individuals with cardiomyopathy. It has been identified in 1/66696 European chromosomes by t he Exome Aggregation Consortium (ExAC; dbSNP rs 777642924). Computational prediction tools and conservation analysis suggest tha t this variant may impact the protein, though this information is not predictive enough to determine pathogenicity. In summary, the clinical significance of the p.Asp823Gly variant is uncertain.

Literature cited by the submitters: PubMed 35026164 (cited by Color Diagnostics, LLC DBA Color Health).

NM_001943.5(DSG2):c.2468A>G (p.Asp823Gly)

Genes: DSG2 (desmoglein 2; plus strand), DSG2-AS1 (DSG2 antisense RNA 1; minus strand). Cytogenetic location: 18q12.1.
Variant type: single nucleotide variant.
Coding change: c.2468A>G on transcript NM_001943.5 (MANE Select); coding-DNA position 2468, A replaced by G.
Protein change: p.Asp823Gly; replaces aspartic acid 823 with glycine.
Molecular consequence: missense variant. On other transcripts: non-coding transcript variant (1).
Genome position (GRCh38, 1-based): chr18:31,545,854, A>G. VCF-style: chr18-31545854-A-G. GRCh37 (hg19) VCF-style: chr18-29125817-A-G.
Other names: short protein forms D823G.
Identifiers: ClinVar variation 228632 (VCV000228632.14), dbSNP rs777642924, ClinGen allele CA046110.